The following is an entry in ClinVar:

ClinVar aggregate classification (germline): Benign/Likely benign. Review status: criteria provided, multiple submitters, no conflicts (2 of 4 stars). 3 submissions from 3 submitters: Benign (1); Likely benign (2). Last evaluated 2025-09-02.

Conditions:
Early-infantile DEE. Also called: Ohtahara syndrome; Early infantile epileptic encephalopathy; Early infantile epileptic encephalopathy with suppression bursts. Identifiers: Orphanet 1934, MedGen C0393706, MONDO:0800491.

Allele frequency attached by ClinVar (database versions not stated): gnomAD exomes 0.00005 and 0.00016; ESP Exome Variant Server 0.00008; gnomAD 0.00011 and 0.00013; TOPMed 0.00013; ExAC 0.00032; 1000 Genomes Project 30x 0.00078; 1000 Genomes Project 0.00100.
gnomAD v4.1: 110 of 1,596,822 alleles (0.0069%); highest among the groups gnomAD compares: East Asian, 0.15%; no homozygotes.

Submissions (3):

Labcorp Genetics (formerly Invitae), Labcorp
Classification: Benign for Early-infantile DEE. Last evaluated: 2025-09-02. Review status: criteria provided, single submitter. Criteria: Invitae Variant Classification Sherloc (09022015). Collection method: clinical testing. Allele origin: germline.

Blueprint Genetics
Classification: Likely benign. Last evaluated: 2024-10-28. Review status: criteria provided, single submitter. Criteria: ACMG Guidelines, 2015. Collection method: clinical testing. Allele origin: germline.

GeneDx
Classification: Likely benign. Last evaluated: 2015-12-29. Review status: criteria provided, single submitter. Criteria: GeneDx Variant Classification (06012015). Collection method: clinical testing. Allele origin: germline. Affected: yes.
Comment: This variant is considered likely benign or benign based on one or more of the following criteria: it is a conservative change, it occurs at a poorly conserved position in the protein, it is predicted to be benign by multiple in silico algorithms, and/or has population frequency not consistent with disease.

NM_001130438.3(SPTAN1):c.6576+12G>A

Gene: SPTAN1 (spectrin alpha, non-erythrocytic 1; plus strand). Cytogenetic location: 9q34.11.
Variant type: single nucleotide variant.
Coding change: c.6576+12G>A on transcript NM_001130438.3 (MANE Select); 12 bases into the intron after coding-DNA position 6576, G replaced by A.
Molecular consequence: intron variant.
Genome position (GRCh38, 1-based): chr9:128,626,699, G>A. VCF-style: chr9-128626699-G-A. GRCh37 (hg19) VCF-style: chr9-131388978-G-A.
Other names: c.6576+12G>A (NM_001363759.2); c.6561+12G>A (NM_003127.4); c.6516+12G>A (NM_001363765.2); c.6501+12G>A (NM_001195532.2).
Identifiers: ClinVar variation 378663 (VCV000378663.11), dbSNP rs144725581, ClinGen allele CA5265721.